The following is an entry in ClinVar:

NM_001330691.3(CEP78):c.1396T>C (p.Cys466Arg)

Gene: CEP78 (centrosomal protein 78; plus strand). Cytogenetic location: 9q21.2.
Variant type: single nucleotide variant.
Coding change: c.1396T>C on transcript NM_001330691.3 (MANE Select); coding-DNA position 1396, T replaced by C.
Protein change: p.Cys466Arg; replaces cysteine 466 with arginine.
Molecular consequence: missense variant.
Genome position (GRCh38, 1-based): chr9:78,262,922, T>C. VCF-style: chr9-78262922-T-C. GRCh37 (hg19) VCF-style: chr9-80877838-T-C.
Other names: c.1399T>C, p.Cys467Arg (NM_001098802.3, NM_001349839.2, NM_001349840.2 and 1 more transcripts); c.1396T>C, p.Cys466Arg (NM_001330693.3, NM_001330694.2, NM_001349838.2); short protein forms C466R, C467R.
Identifiers: ClinVar variation 954797 (VCV000954797.8), dbSNP rs1201434061, ClinGen allele CA373863270.

ClinVar aggregate classification (germline): Uncertain significance (1 of 4 stars; one submission).

Allele frequency attached by ClinVar (database versions not stated): gnomAD 0.00001; TOPMed 0.00001.

Submission:

Labcorp Genetics (formerly Invitae), Labcorp
Classification: Uncertain significance. Last evaluated: 2022-04-29. Review status: criteria provided, single submitter. Criteria: Invitae Variant Classification Sherloc (09022015). Collection method: clinical testing. Allele origin: germline.
Comment: The frequency data for this variant in the population databases is considered unreliable, as metrics indicate poor data quality at this position in the gnomAD database. In summary, the available evidence is currently insufficient to determine the role of this variant in disease. Therefore, it has been classified as a Variant of Uncertain Significance. Algorithms developed to predict the effect of missense changes on protein structure and function are either unavailable or do not agree on the potential impact of this missense change (SIFT: "Tolerated"; PolyPhen-2: "Probably Damaging"; Align-GVGD: "Class C0"). ClinVar contains an entry for this variant (Variation ID: 954797). This variant has not been reported in the literature in individuals affected with CEP78-related conditions. This sequence change replaces cysteine, which is neutral and slightly polar, with arginine, which is basic and polar, at codon 467 of the CEP78 protein (p.Cys467Arg).